The following is an entry in ClinVar:

NM_000548.5(TSC2):c.2640-2A>G

Gene: TSC2 (TSC complex subunit 2; plus strand). Cytogenetic location: 16p13.3.
Variant type: single nucleotide variant.
Coding change: c.2640-2A>G on transcript NM_000548.5 (MANE Select); the canonical splice acceptor site of the intron before coding-DNA position 2640, A replaced by G.
Molecular consequence: splice acceptor variant.
Genome position (GRCh38, 1-based): chr16:2,076,066, A>G. VCF-style: chr16-2076066-A-G. GRCh37 (hg19) VCF-style: chr16-2126067-A-G.
Other names: c.2040-2A>G (NM_001318831.2, NM_001406688.1, NM_001406686.1 and 6 more transcripts); c.2583-2A>G (NM_001406677.1); c.2493-2A>G (NM_001406675.1, NM_001406676.1, NM_001318829.2 and 1 more transcripts); c.2673-2A>G (NM_001318832.2); c.1296-2A>G (NM_001406692.1, NM_001406691.1, NM_001406697.1 and 6 more transcripts); c.1038-2A>G (NM_001406698.1); c.2640-2A>G (NM_001114382.3, NM_001406663.1, NM_001406664.1 and 6 more transcripts); c.2628-2A>G (NM_001406671.1, NM_001406673.1); and 3 more.
Identifiers: ClinVar variation 280185 (VCV000280185.14), dbSNP rs137854380, ClinGen allele CA10603300.
Genomic context (GRCh38, chr16:2,076,066, plus strand): 5'-TTCATGCCCTGGGGATGTTTCCCTGCTGCCAGGATGGAGTGCCAGCCCCCTTCTCATCTC[A>G]GGTTTAATCAGTACATCGTGTGTCTGGCCCATCACGTCATAGCCATGTGGTTCATCAGGT-3'

ClinVar aggregate classification (germline): Conflicting classifications of pathogenicity. Review status: criteria provided, conflicting classifications (1 of 4 stars). 6 submissions from 6 submitters: Pathogenic (2); Likely pathogenic (3); Uncertain significance (1). Last evaluated 2026-08-21.

Conditions:
Tuberous sclerosis 2 (TSC2). Identifiers: Orphanet 805, MedGen C1860707, MONDO:0013199, OMIM 613254.
Lymphangiomyomatosis (LAM). Also called: Lymphangioleiomyomatosis; Lymphangioleiomyomatosis, somatic. Identifiers: Orphanet 538, MedGen C0751674, MONDO:0011705, OMIM 606690.
Isolated focal cortical dysplasia type II (FCORD2). Also called: CORTICAL DYSPLASIA OF TAYLOR; Focal cortical dysplasia type II. Identifiers: Orphanet 268994, MedGen C1846385, MONDO:0011818, OMIM 607341, HP:0032051.
Hereditary cancer-predisposing syndrome. Also called: Hereditary Cancer Syndrome; Tumor predisposition; Hereditary neoplastic syndrome; Neoplastic Syndromes, Hereditary. Identifiers: Orphanet 140162, MedGen C0027672, MeSH D009386, MONDO:0015356.

Allele frequency attached by ClinVar (database versions not stated): gnomAD exomes below 0.00001.
gnomAD v4.1: 1 of 1,613,852 alleles (0.000062%); highest among the groups gnomAD compares: Non-Finnish European, 0.000085%; no homozygotes.

Submissions (6):

Ambry Genetics
Classification: Uncertain significance for Hereditary cancer-predisposing syndrome. Last evaluated: 2026-08-21. Review status: criteria provided, single submitter. Criteria: Ambry Variant Classification Scheme 2023. Collection method: clinical testing. Allele origin: germline.
Comment: The c.2640-2A>G intronic variant results from an A to G substitution two nucleotides upstream from coding exon 23 in the TSC2 gene. Variants that disrupt the canonical splice site are expected to result in aberrant splicing. In silico splice site analysis predicts that this alteration will weaken the native splice acceptor site. RNA studies have demonstrated that this variant results in a transcript predicted to lead to a protein with an in-frame insertion of 10 amino acids; however, the exact functional impact of the inserted amino acids is unknown at this time (Ambry internal data). This nucleotide position is highly conserved in available vertebrate species. Based on the available evidence, the clinical significance of this variant remains unclear.

Myriad Genetics, Inc.
Classification: Likely pathogenic for Tuberous sclerosis 2. Last evaluated: 2025-08-20. Review status: criteria provided, single submitter. Criteria: Myriad Autosomal Dominant, Autosomal Recessive and X-Linked Classification Criteria (2023). Collection method: clinical testing. Allele origin: unknown.
Comment: This variant is considered likely pathogenic. This variant occurs within a consensus splice junction and is predicted to result in abnormal mRNA splicing of either an out-of-frame exon or an in-frame exon necessary for protein stability and/or normal function.

Labcorp Genetics (formerly Invitae), Labcorp
Classification: Pathogenic for Tuberous sclerosis 2. Last evaluated: 2025-01-27. Review status: criteria provided, single submitter. Criteria: Invitae Variant Classification Sherloc (09022015). Collection method: clinical testing. Allele origin: germline.
Comment: This sequence change affects an acceptor splice site in intron 23 of the TSC2 gene. It is expected to disrupt RNA splicing. Variants that disrupt the donor or acceptor splice site typically lead to a loss of protein function (PMID: 16199547), and loss-of-function variants in TSC2 are known to be pathogenic (PMID: 10205261, 17304050). This variant is not present in population databases (gnomAD no frequency). Disruption of this splice site has been observed in individual(s) with tuberous sclerosis complex (PMID: 32313033). ClinVar contains an entry for this variant (Variation ID: 280185). Algorithms developed to predict the effect of sequence changes on RNA splicing suggest that this variant may disrupt the consensus splice site. For these reasons, this variant has been classified as Pathogenic.

Fulgent Genetics
Classification: Likely pathogenic for Lymphangiomyomatosis; Isolated focal cortical dysplasia type II; Tuberous sclerosis 2. Last evaluated: 2021-07-14. Review status: criteria provided, single submitter. Criteria: ACMG Guidelines, 2015. Collection method: clinical testing. Allele origin: unknown.

GeneDx
Classification: Pathogenic. Last evaluated: 2018-09-20. Review status: criteria provided, single submitter. Criteria: GeneDx Variant Classification (06012015). Collection method: clinical testing. Allele origin: germline. Affected: yes.
Comment: The c.2640-2 A>G splice site variant in the TSC2 gene destroys the canonical splice acceptor site in intron 23. It is predicted to cause abnormal gene splicing, either leading to an abnormal message that is subject to nonsense-mediated mRNA decay, or to an abnormal protein product if the message is used for protein translation. Although this variant has not been previously reported to our knowledge, we interpret it to be pathogenic.

Molecular Genetics Department, Kulakov National Medical Research Center for Obstetrics, Gynecology and Perinatology
Classification: Likely pathogenic for Tuberous sclerosis 2. Review status: criteria provided, single submitter. Criteria: ACMG Guidelines, 2015. Collection method: clinical testing. Allele origin: germline. Affected: yes.
Comment: A previously undescribed nucleotide variant creates an alteration of the canonical splice site c.2640-2A>G in the TSC2 gene. Loss-of-function variants are reported in patients with Tuberous sclerosis-2, 613254. The variant is not present in population database (gnomAD no frequency). In summary, the currently available evidence indicates that the variant is pathogenic, but additional data are needed to prove that conclusively. Therefore, this variant has been classified as likely pathogenic.

Literature cited by the submitters: PubMed 16199547 (cited by Labcorp Genetics (formerly Invitae), Labcorp); PubMed 10205261 (cited by Labcorp Genetics (formerly Invitae), Labcorp); PubMed 17304050 (cited by Labcorp Genetics (formerly Invitae), Labcorp); PubMed 32313033 (cited by Labcorp Genetics (formerly Invitae), Labcorp).